The following is an entry in ClinVar:

ClinVar aggregate classification (germline): Uncertain significance (1 of 4 stars; one submission).

Allele frequency attached by ClinVar (database versions not stated): TOPMed 0.00002.
gnomAD v4.1: 11 of 1,435,516 alleles (0.00077%); highest among the groups gnomAD compares: Middle Eastern, 0.047%; no homozygotes.

Submission:

Labcorp Genetics (formerly Invitae), Labcorp
Classification: Uncertain significance. Last evaluated: 2024-05-15. Review status: criteria provided, single submitter. Criteria: Invitae Variant Classification Sherloc (09022015). Collection method: clinical testing. Allele origin: germline.
Comment: This sequence change replaces proline, which is neutral and non-polar, with glutamine, which is neutral and polar, at codon 943 of the BRD4 protein (p.Pro943Gln). This variant is not present in population databases (gnomAD no frequency). This variant has not been reported in the literature in individuals affected with BRD4-related conditions. An algorithm developed to predict the effect of missense changes on protein structure and function (PolyPhen-2) suggests that this variant is likely to be disruptive. In summary, the available evidence is currently insufficient to determine the role of this variant in disease. Therefore, it has been classified as a Variant of Uncertain Significance.

NM_001379291.1(BRD4):c.2828C>A (p.Pro943Gln)

Gene: BRD4 (bromodomain containing 4; minus strand). Cytogenetic location: 19p13.12.
Variant type: single nucleotide variant.
Coding change: c.2828C>A on transcript NM_001379291.1 (MANE Select); coding-DNA position 2828, C replaced by A.
Protein change: p.Pro943Gln; replaces proline 943 with glutamine.
Molecular consequence: missense variant.
Genome position (GRCh38, 1-based): chr19:15,243,241, G>T on the plus strand (C>A on the coding strand, the complement: BRD4 is on the minus strand). VCF-style: chr19-15243241-G-T. GRCh37 (hg19) VCF-style: chr19-15354052-G-T.
Other names: c.2828C>A, p.Pro943Gln (NM_058243.3); short protein forms P943Q.
Identifiers: ClinVar variation 2869918 (VCV002869918.3), dbSNP rs753396296, ClinGen allele CA305789075.